The following is an entry in ClinVar:

NM_001291867.2(NHS):c.204A>G (p.Pro68=)

Gene: NHS (NHS actin remodeling regulator; plus strand). Cytogenetic location: Xp22.2.
Variant type: single nucleotide variant.
Coding change: c.204A>G on transcript NM_001291867.2 (MANE Select); coding-DNA position 204, A replaced by G.
Protein change: p.Pro68=; no amino-acid change (proline 68 retained).
Molecular consequence: synonymous variant.
Genome position (GRCh38, 1-based): chrX:17,375,961, A>G. VCF-style: chrX-17375961-A-G. GRCh37 (hg19) VCF-style: chrX-17394084-A-G.
Other names: c.204A>G, p.Pro68= (NM_198270.4).
Identifiers: ClinVar variation 714438 (VCV000714438.13), dbSNP rs775588477, ClinGen allele CA327283552.

ClinVar aggregate classification (germline): Benign/Likely benign. Review status: criteria provided, multiple submitters, no conflicts (2 of 4 stars). 4 submissions from 4 submitters: Benign (1); Likely benign (3). Last evaluated 2026-07-27.

Conditions:
NHS-related disorder. Also called: NHS-related condition.
Nance-Horan syndrome (NHS). Identifiers: Orphanet 627, MedGen C0796085, MONDO:0010545, OMIM 302350.
Inborn genetic diseases. Identifiers: MedGen C0950123, MeSH D030342.

Allele frequency attached by ClinVar (database versions not stated): gnomAD exomes 0.00002; gnomAD 0.00063 and 0.00069; TOPMed 0.00064.
gnomAD v4.1: 109 of 1,073,255 alleles (0.01%); highest among the groups gnomAD compares: African/African-American, 0.19%; no homozygotes.

Submissions (4):

PreventionGenetics, part of Exact Sciences
Classification: Likely benign for NHS-related condition. Last evaluated: 2026-07-27. Review status: criteria provided, single submitter. Criteria: ACMG Guidelines, 2015. Collection method: clinical testing. Allele origin: germline.
Comment: This variant is classified as likely benign based on ACMG/AMP sequence variant interpretation guidelines (Richards et al. 2015 PMID: 25741868, with internal and published modifications).

Labcorp Genetics (formerly Invitae), Labcorp
Classification: Benign for Nance-Horan syndrome. Last evaluated: 2025-07-28. Review status: criteria provided, single submitter. Criteria: Invitae Variant Classification Sherloc (09022015). Collection method: clinical testing. Allele origin: germline.

Ambry Genetics
Classification: Likely benign for Inborn genetic diseases. Last evaluated: 2019-10-23. Review status: criteria provided, single submitter. Criteria: Ambry Variant Classification Scheme 2023. Collection method: clinical testing. Allele origin: germline.

Breakthrough Genomics
Classification: Likely benign. Review status: criteria provided, single submitter. Criteria: ACMG Guidelines, 2015. Collection method: not provided. Allele origin: germline. Inheritance: X-linked inheritance. Affected: yes.